The following is an entry in ClinVar:

NM_001042413.2(GLIS3):c.1200C>G (p.His400Gln)

Gene: GLIS3 (GLIS family zinc finger 3; minus strand). Cytogenetic location: 9p24.2.
Variant type: single nucleotide variant.
Coding change: c.1200C>G on transcript NM_001042413.2 (MANE Select); coding-DNA position 1200, C replaced by G.
Protein change: p.His400Gln; replaces histidine 400 with glutamine.
Molecular consequence: missense variant.
Genome position (GRCh38, 1-based): chr9:4,118,278, G>C on the plus strand (C>G on the coding strand, the complement: GLIS3 is on the minus strand). VCF-style: chr9-4118278-G-C. GRCh37 (hg19) VCF-style: chr9-4118278-G-C.
Other names: c.735C>G, p.His245Gln (NM_152629.4); short protein forms H245Q, H400Q.
Identifiers: ClinVar variation 731832 (VCV000731832.15), dbSNP rs374943049, ClinGen allele CA4968275.

ClinVar aggregate classification (germline): Conflicting classifications of pathogenicity. Review status: criteria provided, conflicting classifications (1 of 4 stars). 6 submissions from 6 submitters: Uncertain significance (1); Benign (2); Likely benign (3). Last evaluated 2026-07-14.

Conditions:
GLIS3-related disorder. Also called: GLIS3-related condition.
Neonatal diabetes mellitus with congenital hypothyroidism. Also called: NDH SYNDROME. Identifiers: Orphanet 79118, MedGen C1857775, MONDO:0012436, OMIM 610199.
Transitory neonatal diabetes mellitus. Also called: Transient neonatal diabetes mellitus. Identifiers: MedGen C0342273, MONDO:0020525, HP:0008255.

Allele frequency attached by ClinVar (database versions not stated): gnomAD 0.00026 and 0.00036; TOPMed 0.00034; ExAC 0.00077; 1000 Genomes Project 0.00200; 1000 Genomes Project 30x 0.00219.
gnomAD v4.1: 268 of 1,585,182 alleles (0.017%); highest among the groups gnomAD compares: East Asian, 0.36%; 2 homozygotes.

Submissions (6):

PreventionGenetics, part of Exact Sciences
Classification: Likely benign for GLIS3-related condition. Last evaluated: 2026-07-14. Review status: criteria provided, single submitter. Criteria: ACMG Guidelines, 2015. Collection method: clinical testing. Allele origin: germline.
Comment: This variant is classified as likely benign based on ACMG/AMP sequence variant interpretation guidelines (Richards et al. 2015 PMID: 25741868, with internal and published modifications).

Labcorp Genetics (formerly Invitae), Labcorp
Classification: Benign. Last evaluated: 2026-01-19. Review status: criteria provided, single submitter. Criteria: Invitae Variant Classification Sherloc (09022015). Collection method: clinical testing. Allele origin: germline.

New York Genome Center
Classification: Uncertain significance for Neonatal diabetes mellitus with congenital hypothyroidism. Last evaluated: 2021-11-03. Review status: criteria provided, single submitter. Criteria: NYGC Assertion Criteria 2020. Collection method: clinical testing. Allele origin: germline. Observed: 1 heterozygote.

Illumina Laboratory Services, Illumina
Classification: Likely benign for Neonatal diabetes mellitus with congenital hypothyroidism. Last evaluated: 2018-01-13. Review status: criteria provided, single submitter. Criteria: ICSL Variant Classification Criteria 13 December 2019. Collection method: clinical testing. Allele origin: germline.
Comment: This variant was observed in the ICSL laboratory as part of a predisposition screen in an ostensibly healthy population. It had not been previously curated by ICSL or reported in the Human Gene Mutation Database (HGMD: prior to June 1st, 2018), and was therefore a candidate for classification through an automated scoring system. Utilizing variant allele frequency, disease prevalence and penetrance estimates, and inheritance mode, an automated score was calculated to assess if this variant is too frequent to cause the disease. Based on the score and internal cut-off values, a variant classified as likely benign is not then subjected to further curation. The score for this variant resulted in a classification of likely benign for this disease.

Breakthrough Genomics
Classification: Likely benign. Review status: criteria provided, single submitter. Criteria: ACMG Guidelines, 2015. Collection method: not provided. Allele origin: germline. Inheritance: Autosomal recessive inheritance. Affected: yes.

Clinical Genomics, Uppaluri K&H Personalized Medicine Clinic
Classification: Benign for Transitory neonatal diabetes mellitus. Review status: criteria provided, single submitter. Criteria: K & H Uppaluri Personalized Medicine Clinic Variant Classification & Assertion Criteria_Updated V.1. Collection method: research. Allele origin: unknown.
Comment: Potent mutations in GLIS3 predisposes to neonatal diabetes mellitus with an extra pancreatic manifestation of hypothyroidism. It also predisposes to early onset diabetes in adults.However no sufficient evidence is found to ascertain the role of this particular variant rs374943049, yet.

Literature cited by the submitters: PubMed 32693112 (cited by Clinical Genomics, Uppaluri K&H Personalized Medicine Clinic); PubMed 27899417 (cited by Clinical Genomics, Uppaluri K&H Personalized Medicine Clinic); PubMed 29992946 (cited by Clinical Genomics, Uppaluri K&H Personalized Medicine Clinic); PubMed 35394098 (cited by Clinical Genomics, Uppaluri K&H Personalized Medicine Clinic); PubMed 29146476 (cited by Clinical Genomics, Uppaluri K&H Personalized Medicine Clinic).